The following is an entry in ClinVar:

ClinVar aggregate classification (germline): Likely benign (1 of 4 stars; one submission).

Submission:

CeGaT Center for Human Genetics Tuebingen
Classification: Likely benign. Last evaluated: 2023-04-01. Review status: criteria provided, single submitter. Criteria: CeGaT Center For Human Genetics Tuebingen Variant Classification Criteria Version 2. Collection method: clinical testing. Allele origin: germline. Affected: yes. Observed: 3 variant alleles.
Comment: FMR1: BS2

NM_002024.6(FMR1):c.-99_-82del

Genes: FMR1 (fragile X messenger ribonucleoprotein 1; plus strand), FRAXA (fragile site, folic acid type, rare, fra(X)(q27.3) A; plus strand), LOC107032825 (origin of replication in 5' region of FMR1; plus strand), LOC129929053 (ATAC-STARR-seq lymphoblastoid silent region 21039; plus strand). Cytogenetic location: Xq27.3.
Variant type: Deletion.
Coding change: c.-99_-82del on transcript NM_002024.6 (MANE Select); 99 bases upstream of the start codon through 82 bases upstream of the start codon, 18 bases deleted (AGGCGGCGGCGGCGGCGG).
Molecular consequence: 5 prime UTR variant. On other transcripts: non-coding transcript variant (2).
Genome position (GRCh38, 1-based): chrX:147,912,081-147,912,098, AGGCGGCGGCGGCGGCGG deleted; deleting any 18 consecutive bases within chrX:147,912,064-147,912,098 gives the same sequence; the c. name uses the placement nearest the transcript's 3' end. VCF-style (leftmost placement, unchanged base first): chrX-147912063-CGGCGGCGGCGGCGGCGGA-C. GRCh37 (hg19) VCF-style: chrX-146993581-CGGCGGCGGCGGCGGCGGA-C.
Other names: c.-99_-82del (NM_001185075.2, NM_001185076.2, NM_001185081.2 and 1 more transcripts).
Identifiers: ClinVar variation 1695320 (VCV001695320.31), dbSNP rs1305791118, ClinGen allele CA645127210.